The following is an entry in ClinVar:

NM_001018115.3(FANCD2):c.1996G>A (p.Val666Met)

Genes: FANCD2 (FA complementation group D2; plus strand), LOC107303338 (3p25 FANCD2 Alu-mediated recombination region; plus strand). Cytogenetic location: 3p25.3.
Variant type: single nucleotide variant.
Coding change: c.1996G>A on transcript NM_001018115.3 (MANE Select); coding-DNA position 1996, G replaced by A.
Protein change: p.Val666Met; replaces valine 666 with methionine.
Molecular consequence: missense variant.
Genome position (GRCh38, 1-based): chr3:10,064,404, G>A. VCF-style: chr3-10064404-G-A. GRCh37 (hg19) VCF-style: chr3-10106088-G-A.
Other names: c.1996G>A, p.Val666Met (NM_001319984.2, NM_001374254.1, NM_033084.6); c.1885G>A, p.Val629Met (NM_001374253.1); short protein forms V629M, V666M.
Identifiers: ClinVar variation 2050090 (VCV002050090.4), dbSNP rs759743690, ClinGen allele CA2249913.

ClinVar aggregate classification (germline): Uncertain significance. Review status: criteria provided, multiple submitters, no conflicts (2 of 4 stars). 2 submissions from 2 submitters: Uncertain significance (2). Last evaluated 2024-03-09.

Conditions:
Inborn genetic diseases. Identifiers: MedGen C0950123, MeSH D030342.
Fanconi anemia (FA). Also called: Fanconi's anemia. Identifiers: Orphanet 84, MedGen C0015625, MeSH D005199, MONDO:0019391.

Allele frequency attached by ClinVar (database versions not stated): gnomAD 0.00001; gnomAD exomes 0.00001; TOPMed below 0.00001; ExAC 0.00001.
gnomAD v4.1: 5 of 1,613,646 alleles (0.00031%); highest among the groups gnomAD compares: Admixed American, 0.0067%; no homozygotes.

Submissions (2):

Labcorp Genetics (formerly Invitae), Labcorp
Classification: Uncertain significance for Fanconi anemia. Last evaluated: 2024-03-09. Review status: criteria provided, single submitter. Criteria: Invitae Variant Classification Sherloc (09022015). Collection method: clinical testing. Allele origin: germline.
Comment: This sequence change replaces valine, which is neutral and non-polar, with methionine, which is neutral and non-polar, at codon 666 of the FANCD2 protein (p.Val666Met). This variant is present in population databases (rs759743690, gnomAD 0.009%). This variant has not been reported in the literature in individuals affected with FANCD2-related conditions. ClinVar contains an entry for this variant (Variation ID: 2050090). Advanced modeling of protein sequence and biophysical properties (such as structural, functional, and spatial information, amino acid conservation, physicochemical variation, residue mobility, and thermodynamic stability) has been performed at Invitae for this missense variant, however the output from this modeling did not meet the statistical confidence thresholds required to predict the impact of this variant on FANCD2 protein function. In summary, the available evidence is currently insufficient to determine the role of this variant in disease. Therefore, it has been classified as a Variant of Uncertain Significance.

Ambry Genetics
Classification: Uncertain significance for Inborn genetic diseases. Last evaluated: 2022-04-12. Review status: criteria provided, single submitter. Criteria: Ambry Variant Classification Scheme 2023. Collection method: clinical testing. Allele origin: germline.